The following is an entry in ClinVar:

ClinVar aggregate classification (germline): Uncertain significance. Review status: criteria provided, multiple submitters, no conflicts (2 of 4 stars). 3 submissions from 3 submitters: Uncertain significance (2). 1 of the submissions does not count toward it. Last evaluated 2024-03-31.

Conditions:
Branchiootorenal syndrome 1. Also called: Branchio-Oto-Renal Syndrome 1. Identifiers: Orphanet 107, MedGen C4551702, MONDO:0007236, OMIM 113650.
Branchiootic syndrome 1 (BOS1). Also called: BO SYNDROME 1; BRANCHIOOTIC DYSPLASIA. Identifiers: MedGen C1865143, MONDO:0011258, OMIM 602588.
Otofaciocervical syndrome 1 (OTFCS). Identifiers: MedGen C3714941, MONDO:0024532, OMIM 166780.
EYA1-related disorder. Also called: EYA1-related condition.

Allele frequency attached by ClinVar (database versions not stated): TOPMed below 0.00001; gnomAD 0.00001; gnomAD exomes 0.00003.
gnomAD v4.1: 44 of 1,613,068 alleles (0.0027%); highest among the groups gnomAD compares: Non-Finnish European, 0.0034%; no homozygotes.

Submissions (3):

Fulgent Genetics
Classification: Uncertain significance for Branchiootorenal syndrome 1; Otofaciocervical syndrome 1; Branchiootic syndrome 1. Last evaluated: 2024-03-31. Review status: criteria provided, single submitter. Criteria: ACMG Guidelines, 2015. Collection method: clinical testing. Allele origin: germline.

GeneDx
Classification: Uncertain significance. Last evaluated: 2022-08-29. Review status: criteria provided, single submitter. Criteria: GeneDx Variant Classification Process June 2021. Collection method: clinical testing. Allele origin: germline. Affected: yes.
Comment: Not observed at significant frequency in large population cohorts (gnomAD); In silico analysis supports that this missense variant has a deleterious effect on protein structure/function; Has not been previously published as pathogenic or benign to our knowledge

PreventionGenetics, part of Exact Sciences
Classification: Uncertain significance for EYA1-related condition. Last evaluated: 2023-10-18. Review status: no assertion criteria provided. Collection method: clinical testing. Allele origin: germline. Not counted in ClinVar's aggregate classification.
Comment: The EYA1 c.971T>C variant is predicted to result in the amino acid substitution p.Val324Ala. To our knowledge, this variant has not been reported in the literature. This variant is reported in 0.0099% of alleles in individuals of Ashkenazi Jewish descent in gnomAD. At this time, the clinical significance of this variant is uncertain due to the absence of conclusive functional and genetic evidence.

NM_000503.6(EYA1):c.971T>C (p.Val324Ala)

Gene: EYA1 (EYA transcriptional coactivator and phosphatase 1; minus strand). Cytogenetic location: 8q13.3.
Variant type: single nucleotide variant.
Coding change: c.971T>C on transcript NM_000503.6 (MANE Select); coding-DNA position 971, T replaced by C.
Protein change: p.Val324Ala; replaces valine 324 with alanine.
Molecular consequence: missense variant.
Genome position (GRCh38, 1-based): chr8:71,269,819, A>G on the plus strand (T>C on the coding strand, the complement: EYA1 is on the minus strand). VCF-style: chr8-71269819-A-G. GRCh37 (hg19) VCF-style: chr8-72182054-A-G.
Other names: c.971T>C (NM_172058.3); c.953T>C, p.Val318Ala (NM_001288574.2); c.605T>C, p.Val202Ala (NM_001288575.2); c.1058T>C, p.Val353Ala (NM_001370333.1); c.971T>C, p.Val324Ala (NM_001370334.1, NM_001370335.1, NM_172058.4); c.1040T>C, p.Val347Ala (NM_001370336.1); c.872T>C, p.Val291Ala (NM_001411797.1, NM_172060.4); c.1043T>C, p.Val348Ala (NM_172059.5); short protein forms V202A, V291A, V318A, V324A, V347A, V348A, V353A.
Identifiers: ClinVar variation 2442529 (VCV002442529.4), dbSNP rs1431798771, ClinGen allele CA371468392.